The following is an entry in ClinVar:

ClinVar aggregate classification (germline): Uncertain significance (1 of 4 stars; one submission).

Allele frequency attached by ClinVar (database versions not stated): gnomAD exomes below 0.00001; TOPMed below 0.00001; gnomAD 0.00001.
gnomAD v4.1: 32 of 1,613,898 alleles (0.002%); highest among the groups gnomAD compares: Non-Finnish European, 0.0025%; no homozygotes.

Submission:

GeneDx
Classification: Uncertain significance. Last evaluated: 2018-11-06. Review status: criteria provided, single submitter. Criteria: GeneDx Variant Classification Process June 2021. Collection method: clinical testing. Allele origin: germline. Affected: yes.
Comment: In silico analysis, which includes protein predictors and evolutionary conservation, supports that this variant does not alter protein structure/function; Has not been previously published as pathogenic or benign to our knowledge

NM_030632.3(ASXL3):c.5851T>C (p.Ser1951Pro)

Gene: ASXL3 (ASXL transcriptional regulator 3; plus strand). Cytogenetic location: 18q12.1.
Variant type: single nucleotide variant.
Coding change: c.5851T>C on transcript NM_030632.3 (MANE Select); coding-DNA position 5851, T replaced by C.
Protein change: p.Ser1951Pro; replaces serine 1951 with proline.
Molecular consequence: missense variant.
Genome position (GRCh38, 1-based): chr18:33,745,699, T>C. VCF-style: chr18-33745699-T-C. GRCh37 (hg19) VCF-style: chr18-31325663-T-C.
Other names: short protein forms S1951P.
Identifiers: ClinVar variation 1199596 (VCV001199596.3), dbSNP rs1414083031, ClinGen allele CA402195625.